The following is an entry in ClinVar:

NM_004360.5(CDH1):c.1878C>A (p.Phe626Leu)

Gene: CDH1 (cadherin 1; plus strand). Cytogenetic location: 16q22.1.
Variant type: single nucleotide variant.
Coding change: c.1878C>A on transcript NM_004360.5 (MANE Select); coding-DNA position 1878, C replaced by A.
Protein change: p.Phe626Leu; replaces phenylalanine 626 with leucine.
Molecular consequence: missense variant. On other transcripts: 5 prime UTR variant (1).
Genome position (GRCh38, 1-based): chr16:68,822,167, C>A. VCF-style: chr16-68822167-C-A. GRCh37 (hg19) VCF-style: chr16-68856070-C-A.
Other names: c.1695C>A, p.Phe565Leu (NM_001317184.2); c.330C>A, p.Phe110Leu (NM_001317185.2); c.-88C>A (NM_001317186.2); short protein forms F110L, F626L, F565L.
Identifiers: ClinVar variation 1781815 (VCV001781815.2), dbSNP rs1596963754, ClinGen allele CA396467110.
Genomic context (GRCh38, chr16:68,822,167, plus strand): 5'-TCCAAAGCCTCAGGTCATAAACATCATTGATGCAGACCTTCCTCCCAATACATCTCCCTT[C>A]ACAGCAGAACTAACACACGGGGCGAGTGCCAACTGGACCATTCAGTACAACGACCCAAGT-3'
Protein context (NP_004351.1, residues 616-636): DADLPPNTSP[Phe626Leu]TAELTHGASA

ClinVar aggregate classification (germline): Uncertain significance (1 of 4 stars; one submission).

Conditions:
Hereditary cancer-predisposing syndrome. Also called: Neoplastic Syndromes, Hereditary; Tumor predisposition; Hereditary Cancer Syndrome; Hereditary neoplastic syndrome. Identifiers: Orphanet 140162, MedGen C0027672, MeSH D009386, MONDO:0015356.

Submission:

Ambry Genetics
Classification: Uncertain significance for Hereditary cancer-predisposing syndrome. Last evaluated: 2021-02-19. Review status: criteria provided, single submitter. Criteria: Ambry Variant Classification Scheme 2023. Collection method: clinical testing. Allele origin: germline.
Comment: The p.F626L variant (also known as c.1878C>A), located in coding exon 12 of the CDH1 gene, results from a C to A substitution at nucleotide position 1878. The phenylalanine at codon 626 is replaced by leucine, an amino acid with highly similar properties. This amino acid position is well conserved in available vertebrate species. In addition, this alteration is predicted to be tolerated by in silico analysis. Since supporting evidence is limited at this time, the clinical significance of this alteration remains unclear.